The following is an entry in ClinVar:

ClinVar aggregate classification (germline): Uncertain significance (1 of 4 stars; one submission).

Conditions:
Malignant hyperthermia, susceptibility to, 1 (MHS1). Also called: RYR1-Related Malignant Hyperthermia Susceptibility; Anesthesia related hyperthermia; Malignant hyperpyrexia; Fulminating hyperpyrexia; Pharmacogenic myopathy; Malignant hyperthermia suceptibility 1. Identifiers: Orphanet 423, MedGen C2930980, MONDO:0007783, OMIM 145600.

gnomAD v4.1: 2 of 1,614,152 alleles (0.00012%); highest among the groups gnomAD compares: Non-Finnish European, 0.00017%; no homozygotes.

Submission:

All of Us Research Program, National Institutes of Health
Classification: Uncertain significance for Malignant hyperthermia, susceptibility to, 1. Last evaluated: 2023-03-23. Review status: criteria provided, single submitter. Criteria: ACMG Guidelines, 2015. Collection method: clinical testing. Allele origin: germline. Inheritance: Autosomal dominant inheritance. Observed: 1 variant allele, 1 heterozygote.
Comment: This missense variant replaces lysine with threonine at codon 364 of the RYR1 protein. Computational prediction suggests that this variant may have deleterious impact on protein structure and function (internally defined REVEL score threshold >= 0.7, PMID: 27666373). To our knowledge, functional studies have not been reported for this variant. This variant has not been reported in individuals affected with RYR1-related disorders in the literature. This variant has been identified in 2/251316 chromosomes in the general population by the Genome Aggregation Database (gnomAD). The available evidence is insufficient to determine the role of this variant in disease conclusively. Therefore, this variant is classified as a Variant of Uncertain Significance.

This study involves interpretation of variants in research participants for the purpose of population health screening. Participant phenotype was not available at the time of variant classification. Additional details can be found in publication PMID: 35346344, PMCID: PMC8962531

NM_000540.3(RYR1):c.1091A>C (p.Lys364Thr)

Gene: RYR1 (ryanodine receptor 1; plus strand). Cytogenetic location: 19q13.2.
Variant type: single nucleotide variant.
Coding change: c.1091A>C on transcript NM_000540.3 (MANE Select); coding-DNA position 1091, A replaced by C.
Protein change: p.Lys364Thr; replaces lysine 364 with threonine.
Molecular consequence: missense variant.
Genome position (GRCh38, 1-based): chr19:38,448,782, A>C. VCF-style: chr19-38448782-A-C. GRCh37 (hg19) VCF-style: chr19-38939422-A-C.
Other names: c.1091A>C, p.Lys364Thr (NM_001042723.2); short protein forms K364T.
Identifiers: ClinVar variation 3069911 (VCV003069911.1), dbSNP rs773211591, ClinGen allele CA405683087.